The following is an entry in ClinVar:

NM_006361.6(HOXB13):c.445G>T (p.Val149Leu)

Gene: HOXB13 (homeobox B13; minus strand). Cytogenetic location: 17q21.32.
Variant type: single nucleotide variant.
Coding change: c.445G>T on transcript NM_006361.6 (MANE Select); coding-DNA position 445, G replaced by T.
Protein change: p.Val149Leu; replaces valine 149 with leucine.
Molecular consequence: missense variant.
Genome position (GRCh38, 1-based): chr17:48,728,149, C>A on the plus strand (G>T on the coding strand, the complement: HOXB13 is on the minus strand). VCF-style: chr17-48728149-C-A. GRCh37 (hg19) VCF-style: chr17-46805511-C-A.
Other names: short protein forms V149L.
Identifiers: ClinVar variation 2064558 (VCV002064558.4), dbSNP rs1597934198, ClinGen allele CA400107437.
Genomic context (GRCh38, chr17:48,728,149, plus strand): 5'-AACTGTCCACAGGCAACAGGGAGTCATGTCGCGGTTCTCCAGGAGCACCCAGAGTCTGCA[C>A]CACAGACACGTCCAGGTAACTGGCCATAGGCTGGTAGGTTCCCGGATATCCCGGATAGAA-3'
Protein context (NP_006352.2, residues 139-159): PMASYLDVSV[Val149Leu]QTLGAPGEPR

ClinVar aggregate classification (germline): Uncertain significance (1 of 4 stars; one submission).

Submission:

Labcorp Genetics (formerly Invitae), Labcorp
Classification: Uncertain significance. Last evaluated: 2023-11-06. Review status: criteria provided, single submitter. Criteria: Invitae Variant Classification Sherloc (09022015). Collection method: clinical testing. Allele origin: germline.
Comment: This sequence change replaces valine, which is neutral and non-polar, with leucine, which is neutral and non-polar, at codon 149 of the HOXB13 protein (p.Val149Leu). This variant is not present in population databases (gnomAD no frequency). This variant has not been reported in the literature in individuals affected with HOXB13-related conditions. ClinVar contains an entry for this variant (Variation ID: 2064558). Advanced modeling of protein sequence and biophysical properties (such as structural, functional, and spatial information, amino acid conservation, physicochemical variation, residue mobility, and thermodynamic stability) performed at Invitae indicates that this missense variant is not expected to disrupt HOXB13 protein function with a negative predictive value of 80%. Algorithms developed to predict the effect of sequence changes on RNA splicing suggest that this variant may create or strengthen a splice site. In summary, the available evidence is currently insufficient to determine the role of this variant in disease. Therefore, it has been classified as a Variant of Uncertain Significance.